The following is an entry in ClinVar:

ClinVar aggregate classification (germline): Likely pathogenic (1 of 4 stars; one submission).

Conditions:
Cohen syndrome (COH1). Also called: PEPPER SYNDROME; Cutis verticis gyrata, retinitis pigmentosa, and sensorineural deafness. Identifiers: Orphanet 193, MedGen C0265223, MONDO:0008999, OMIM 216550.

Submission:

Labcorp Genetics (formerly Invitae), Labcorp
Classification: Likely pathogenic for Cohen syndrome. Last evaluated: 2024-01-20. Review status: criteria provided, single submitter. Criteria: Invitae Variant Classification Sherloc (09022015). Collection method: clinical testing. Allele origin: germline.
Comment: This sequence change affects a donor splice site in intron 23 of the VPS13B gene. It is expected to disrupt RNA splicing. Variants that disrupt the donor or acceptor splice site typically lead to a loss of protein function (PMID: 16199547), and loss-of-function variants in VPS13B are known to be pathogenic (PMID: 15141358, 16648375, 20461111). This variant is not present in population databases (gnomAD no frequency). This variant has not been reported in the literature in individuals affected with VPS13B-related conditions. Algorithms developed to predict the effect of sequence changes on RNA splicing suggest that this variant may disrupt the consensus splice site. In summary, the currently available evidence indicates that the variant is pathogenic, but additional data are needed to prove that conclusively. Therefore, this variant has been classified as Likely Pathogenic.

Literature cited by the submitters: PubMed 16199547; PubMed 15141358; PubMed 16648375; PubMed 20461111.

NM_152564.5(VPS13B):c.3445+2T>A

Gene: VPS13B (vacuolar protein sorting 13 homolog B; plus strand). Cytogenetic location: 8q22.2.
Variant type: single nucleotide variant.
Coding change: c.3445+2T>A on transcript NM_152564.5 (MANE Select); the canonical splice donor site of the intron after coding-DNA position 3445, T replaced by A.
Molecular consequence: splice donor variant.
Genome position (GRCh38, 1-based): chr8:99,442,637, T>A. VCF-style: chr8-99442637-T-A. GRCh37 (hg19) VCF-style: chr8-100454865-T-A.
Other names: c.3445+2T>A (NM_017890.5).
Identifiers: ClinVar variation 2780199 (VCV002780199.3), dbSNP rs2490163758, ClinGen allele CA371871159.